The following is an entry in ClinVar:

ClinVar aggregate classification (germline): Uncertain significance. Review status: criteria provided, multiple submitters, no conflicts (2 of 4 stars). 15 submissions from 15 submitters: Uncertain significance (14). 1 of the submissions does not count toward it. Last evaluated 2026-03-06.

Conditions:
Hereditary nonpolyposis colorectal neoplasms. Identifiers: MedGen C0009405, MeSH D003123.
PMS2-related disorder. Also called: PMS2-related condition.
Hereditary cancer-predisposing syndrome. Also called: Neoplastic Syndromes, Hereditary; Hereditary Cancer Syndrome; Tumor predisposition; Hereditary neoplastic syndrome. Identifiers: Orphanet 140162, MedGen C0027672, MeSH D009386, MONDO:0015356.
Lynch syndrome. Identifiers: Orphanet 144, MedGen C4552100, MONDO:0005835. Disease mechanism: loss of function.
Lynch syndrome 4 (LYNCH4). Also called: Colorectal cancer, hereditary nonpolyposis, type 4; Hereditary non-polyposis colorectal cancer, type 4. Identifiers: Orphanet 144, MedGen C1838333, MONDO:0013699, OMIM 614337. Disease mechanism: loss of function.

Allele frequency attached by ClinVar (database versions not stated): gnomAD exomes 0.00001 and 0.00002; TOPMed 0.00002; ExAC 0.00003; gnomAD 0.00004.

Submissions (15):

Praxis Für Humangenetik, Biosciencia MVZ Labor Saar
Classification: Uncertain significance for Hereditary cancer-predisposing syndrome. Last evaluated: 2026-03-06. Review status: criteria provided, single submitter. Criteria: ACMG Guidelines, 2015. Collection method: clinical testing. Allele origin: germline. Affected: yes.
Comment: The alteration has been identified in two cases in patients with breast cancer (Maxwell et al., 2015, PMID: 25503501; Dorling et al., 2021, PMID: 33471991). However, it has also been detected in the healthy population (gnomAD v4.1, 22/1,613,994 alleles). The affected amino acid position is highly conserved in vertebrates. Furthermore, in silico predictions for this alteration are not clear.

Labcorp Genetics (formerly Invitae), Labcorp
Classification: Uncertain significance for Hereditary nonpolyposis colorectal neoplasms. Last evaluated: 2025-12-22. Review status: criteria provided, single submitter. Criteria: Invitae Variant Classification Sherloc (09022015). Collection method: clinical testing. Allele origin: germline.
Comment: This sequence change replaces asparagine, which is neutral and polar, with serine, which is neutral and polar, at codon 204 of the PMS2 protein (p.Asn204Ser). This variant is present in population databases (rs777903002, gnomAD 0.008%). This missense change has been observed in individual(s) with breast cancer (PMID: 25503501). ClinVar contains an entry for this variant (Variation ID: 231881). Invitae Evidence Modeling incorporating data from in vitro experimental studies (internal data) indicates that this missense variant is not expected to disrupt PMS2 function with a negative predictive value of 95%. In summary, the available evidence is currently insufficient to determine the role of this variant in disease. Therefore, it has been classified as a Variant of Uncertain Significance.

Color Diagnostics, LLC DBA Color Health
Classification: Uncertain significance for Hereditary cancer-predisposing syndrome. Last evaluated: 2025-04-28. Review status: criteria provided, single submitter. Criteria: ACMG Guidelines, 2015. Collection method: clinical testing. Allele origin: germline.
Comment: This missense variant replaces asparagine with serine at codon 204 of the PMS2 protein. Computational prediction is inconclusive regarding the impact of this variant on protein structure and function. Splice site prediction tools suggest that this variant may not impact RNA splicing. To our knowledge, functional studies have not been performed for this variant. This variant has been reported in individuals affected with breast cancer (PMID: 25503501, 33471991). This variant has also been identified in 7/282878 chromosomes in the general population by the Genome Aggregation Database (gnomAD). The available evidence is insufficient to determine the role of this variant in disease conclusively. Therefore, this variant is classified as a Variant of Uncertain Significance.

Ambry Genetics
Classification: Uncertain significance for Hereditary cancer-predisposing syndrome. Last evaluated: 2025-01-10. Review status: criteria provided, single submitter. Criteria: Ambry Variant Classification Scheme 2023. Collection method: clinical testing. Allele origin: germline.
Comment: The p.N204S variant (also known as c.611A>G), located in coding exon 6 of the PMS2 gene, results from an A to G substitution at nucleotide position 611. The asparagine at codon 204 is replaced by serine, an amino acid with highly similar properties. This alteration was identified in 1/278 individuals from a cohort BRCA1/2-negative individuals with early-onset breast cancer via multiplex panel testing of 22 cancer susceptibility genes (Maxwell KN et al. Genet Med, 2015 Aug;17:630-8). This alteration was observed in the TCGA colorectal adenocarcinoma data set, which was used to represent sporadic cancer in a study of patients with wild-type PTEN who met at least the relaxed diagnostic criteria of the International Cowden Consortium (Lee YR et al. N Engl J Med, 2020 May;382:2103-2116). This variant was reported in 1/60,466 breast cancer cases and in 0/53,461 controls (Dorling et al. N Engl J Med. 2021 02;384:428-439). This amino acid position is highly conserved in available vertebrate species. In addition, the in silico prediction for this alteration is inconclusive. Since supporting evidence is limited at this time, the clinical significance of this alteration remains unclear.

CeGaT Center for Human Genetics Tuebingen
Classification: Uncertain significance. Last evaluated: 2024-10-01. Review status: criteria provided, single submitter. Criteria: CeGaT Center For Human Genetics Tuebingen Variant Classification Criteria Version 2. Collection method: clinical testing. Allele origin: germline. Affected: yes. Observed: 1 variant allele.

Blueprint Genetics
Classification: Uncertain significance. Last evaluated: 2024-08-29. Review status: criteria provided, single submitter. Criteria: ACMG Guidelines, 2015. Collection method: clinical testing. Allele origin: germline.

Women's Health and Genetics/Laboratory Corporation of America, LabCorp
Classification: Uncertain significance. Last evaluated: 2024-05-28. Review status: criteria provided, single submitter. Criteria: LabCorp Variant Classification Summary - May 2015. Collection method: clinical testing. Allele origin: germline.
Comment: Variant summary: PMS2 c.611A>G (p.Asn204Ser) results in a conservative amino acid change located in the DNA mismatch repair protein family, N-terminal domain (IPR002099) of the encoded protein sequence. Four of five in-silico tools predict a damaging effect of the variant on protein function. The variant allele was found at a frequency of 2.4e-05 in 251496 control chromosomes. The available data on variant occurrences in the general population are insufficient to allow any conclusion about variant significance. c.611A>G has been reported in the literature in individuals affected with early onset breast cancer (Maxwell_2015). These report(s) do not provide unequivocal conclusions about association of the variant with Hereditary Nonpolyposis Colorectal Cancer. To our knowledge, no experimental evidence demonstrating an impact on protein function has been reported. The following publication has been ascertained in the context of this evaluation (PMID: 25503501). ClinVar contains an entry for this variant (Variation ID: 231881). Based on the evidence outlined above, the variant was classified as uncertain significance.

Baylor Genetics
Classification: Uncertain significance for Lynch syndrome 4. Last evaluated: 2024-03-28. Review status: criteria provided, single submitter. Criteria: ACMG Guidelines, 2015. Collection method: clinical testing. Allele origin: unknown.

All of Us Research Program, National Institutes of Health
Classification: Uncertain significance for Lynch syndrome. Last evaluated: 2023-10-06. Review status: criteria provided, single submitter. Criteria: ACMG Guidelines, 2015. Collection method: clinical testing. Allele origin: germline. Inheritance: Autosomal dominant inheritance. Observed: 3 variant alleles, 3 heterozygotes.
Comment: This missense variant replaces asparagine with serine at codon 204 of the PMS2 protein. Computational prediction is inconclusive regarding the impact of this variant on protein structure and function (internally defined REVEL score threshold 0.5 < inconclusive < 0.7, PMID: 27666373). Splice site prediction tools suggest that this variant may not impact RNA splicing. To our knowledge, functional studies have not been performed for this variant. This variant has been reported in individuals affected with breast cancer (PMID: 25503501, 33471991). This variant has also been identified in 7/282878 chromosomes in the general population by the Genome Aggregation Database (gnomAD). The available evidence is insufficient to determine the role of this variant in disease conclusively. Therefore, this variant is classified as a Variant of Uncertain Significance.

This study involves interpretation of variants in research participants for the purpose of population health screening. Participant phenotype was not available at the time of variant classification. Additional details can be found in publication PMID: 35346344, PMCID: PMC8962531

PreventionGenetics, part of Exact Sciences
Classification: Uncertain significance for PMS2-related condition. Last evaluated: 2023-09-06. Review status: criteria provided, single submitter. Criteria: ACMG Guidelines, 2015. Collection method: clinical testing. Allele origin: germline.
Comment: The PMS2 c.611A>G variant is predicted to result in the amino acid substitution p.Asn204Ser. This variant was reported in individuals with breast cancer; however, no additional studies were performed to help assess the pathogenicity of this variant (Table S1, Maxwell et al. 2015. PubMed ID: 25503501; supplementary dataset, Breast Cancer Association et al. 2021. PubMed ID: 33471991). This variant is reported in 0.010% of alleles in individuals of East Asian descent in gnomAD and is interpreted as uncertain significance in ClinVar. A different nucleotide substitution affecting the same amino acid (p.Asn204His) has been reported in a cohort of individuals with a personal or family history of breast and/or ovarian cancer (Table S1, Castéra et al. 2014. PubMed ID: 24549055). At this time, the clinical significance of the c.611A>G (p.Asn204Ser) variant is uncertain due to the absence of conclusive functional and genetic evidence.

Myriad Genetics, Inc.
Classification: Uncertain significance for Lynch syndrome 4. Last evaluated: 2023-04-04. Review status: criteria provided, single submitter. Criteria: Myriad Autosomal Dominant, Autosomal Recessive and X-Linked Classification Criteria (2023). Collection method: clinical testing. Allele origin: unknown.
Comment: This variant is classified as a variant of uncertain significance as there is insufficient evidence to determine its impact on protein function and/or cancer risk.

Mendelics
Classification: Uncertain significance. Last evaluated: 2022-05-04. Review status: criteria provided, single submitter. Criteria: Mendelics Assertion Criteria 2019. Collection method: clinical testing. Allele origin: germline.

Sema4
Classification: Uncertain significance for Hereditary cancer-predisposing syndrome. Last evaluated: 2021-12-01. Review status: criteria provided, single submitter. Criteria: Sema4 Curation Guidelines. Collection method: curation. Allele origin: germline.
Comment: The PMS2 c.611A>G (p.N204S) variant has been reported in heterozygosity in at least two individuals with breast cancer (PMID: 25503501, 33471991). This variant was observed in 2/19952 chromosomes in the East Asian population according to the Genome Aggregation Database (PMID: 32461654). The variant has been reported in ClinVar (Variation ID: 231881). Functional studies have not been performed, and in silico predictions of the variant's effect on protein function are inconclusive. The evidence is insufficient to meet ACMG/AMP criteria for classifying the variant as benign or pathogenic. Thus, the clinical significance of this variant is currently uncertain.

GeneDx
Classification: Uncertain significance. Last evaluated: 2020-06-17. Review status: criteria provided, single submitter. Criteria: GeneDx Variant Classification Process June 2021. Collection method: clinical testing. Allele origin: germline. Affected: yes.
Comment: In silico analysis supports that this missense variant has a deleterious effect on protein structure/function; Observed in individuals with breast cancer (Maxwell 2015); This variant is associated with the following publications: (PMID: 25503501)

Counsyl
Classification: Uncertain significance for Lynch syndrome 4. Last evaluated: 2016-09-16. Review status: no assertion criteria provided. Collection method: clinical testing. Allele origin: unknown. Not counted in ClinVar's aggregate classification.

Literature cited by the submitters: PubMed 25503501 (cited by 8 submitters); PubMed 33471991 (cited by 5 submitters); PubMed 32459922 (cited by Ambry Genetics).

NM_000535.7(PMS2):c.611A>G (p.Asn204Ser)

Gene: PMS2 (PMS1 homolog 2, mismatch repair system component; minus strand). Cytogenetic location: 7p22.1.
Variant type: single nucleotide variant.
Coding change: c.611A>G on transcript NM_000535.7 (MANE Select); coding-DNA position 611, A replaced by G.
Protein change: p.Asn204Ser; replaces asparagine 204 with serine.
Molecular consequence: missense variant. On other transcripts: 5 prime UTR variant (2), non-coding transcript variant (1), intron variant (1).
Genome position (GRCh38, 1-based): chr7:5,999,202, T>C on the plus strand (A>G on the coding strand, the complement: PMS2 is on the minus strand). VCF-style: chr7-5999202-T-C. GRCh37 (hg19) VCF-style: chr7-6038833-T-C.
Other names: c.206A>G, p.Asn69Ser (NM_001322003.2, NM_001322004.2, NM_001322005.2 and 2 more transcripts); c.611A>G, p.Asn204Ser (NM_001322006.2, NM_001322014.2); c.293A>G, p.Asn98Ser (NM_001322007.2, NM_001322008.2); c.-323A>G (NM_001322011.2, NM_001322012.2); c.302A>G, p.Asn101Ser (NM_001322015.2); c.133-1779A>G (NM_001322013.2); short protein forms N204S, N101S, N69S, N98S.
Identifiers: ClinVar variation 231881 (VCV000231881.54), dbSNP rs777903002, ClinGen allele CA050604.
Genomic context (GRCh38, chr7:5,999,202, plus strand): 5'-TTTATGCTGGGGCTTCCACCTGTGCATACCACAGGCTGTCGTTTTCCTTGTCCAAGCTGA[T>C]TGGTGCAACTTACACGGATGCCTGCTGAAATGATACAGTATGCATGTAAGACCTGGACCA-3'
Protein context (NP_000526.2, residues 194-214): ISAGIRVSCT[Asn204Ser]QLGQGKRQPV